The following is an entry in ClinVar:

ClinVar aggregate classification (germline): Uncertain significance. Review status: criteria provided, multiple submitters, no conflicts (2 of 4 stars). 2 submissions from 2 submitters: Uncertain significance (2). Last evaluated 2026-07-21.

Conditions:
Inborn genetic diseases. Identifiers: MedGen C0950123, MeSH D030342.
DZIP1L-related disorder. Also called: DZIP1L-related condition.

gnomAD v4.1: 12 of 1,613,998 alleles (0.00074%); highest among the groups gnomAD compares: Non-Finnish European, 0.001%; no homozygotes.

Submissions (2):

PreventionGenetics, part of Exact Sciences
Classification: Uncertain significance for DZIP1L-related condition. Last evaluated: 2026-07-21. Review status: criteria provided, single submitter. Criteria: ACMG Guidelines, 2015. Collection method: clinical testing. Allele origin: germline.
Comment: The DZIP1L c.1300T>A variant is predicted to result in the amino acid substitution p.Ser434Thr. To our knowledge, this variant has not been reported in the literature or in a large population database (gnomAD), indicating this variant is rare. At this time, the clinical significance of this variant is uncertain due to the absence of conclusive functional and genetic evidence.

Ambry Genetics
Classification: Uncertain significance for Inborn genetic diseases. Last evaluated: 2024-09-01. Review status: criteria provided, single submitter. Criteria: Ambry Variant Classification Scheme 2023. Collection method: clinical testing. Allele origin: germline.

NM_173543.3(DZIP1L):c.1300T>A (p.Ser434Thr)

Gene: DZIP1L (DAZ interacting zinc finger protein 1 like; minus strand). Cytogenetic location: 3q22.3.
Variant type: single nucleotide variant.
Coding change: c.1300T>A on transcript NM_173543.3 (MANE Select); coding-DNA position 1300, T replaced by A.
Protein change: p.Ser434Thr; replaces serine 434 with threonine.
Molecular consequence: missense variant.
Genome position (GRCh38, 1-based): chr3:138,077,621, A>T on the plus strand (T>A on the coding strand, the complement: DZIP1L is on the minus strand). VCF-style: chr3-138077621-A-T. GRCh37 (hg19) VCF-style: chr3-137796463-A-T.
Other names: c.1300T>A, p.Ser434Thr (NM_001170538.1); short protein forms S434T.
Identifiers: ClinVar variation 3506236 (VCV003506236.2).
Genomic context (GRCh38, chr3:138,077,621, plus strand): 5'-GCTTCAGCAAAGTGGGGTTACGCCTCAGAGCTGCCAGCACCTTGTGCTGTTCATCCTGGG[A>T]GTCCTCCATCTCTGTAGCATGAGACATTCACCCAGATCAGCCTGGGCACCTGAGTTCTCC-3'
Protein context (NP_775814.2, residues 424-444): EDSPEEEMED[Ser434Thr]QDEQHKVLAA